The following is an entry in ClinVar:

NM_001370259.2(MEN1):c.1439G>A (p.Arg480Gln)

Gene: MEN1 (menin 1; minus strand). Cytogenetic location: 11q13.1.
Variant type: single nucleotide variant.
Coding change: c.1439G>A on transcript NM_001370259.2 (MANE Select); coding-DNA position 1439, G replaced by A.
Protein change: p.Arg480Gln; replaces arginine 480 with glutamine.
Molecular consequence: missense variant.
Genome position (GRCh38, 1-based): chr11:64,804,728, C>T on the plus strand (G>A on the coding strand, the complement: MEN1 is on the minus strand). VCF-style: chr11-64804728-C-T. GRCh37 (hg19) VCF-style: chr11-64572200-C-T.
Other names: c.1454G>A, p.Arg485Gln (NM_000244.4, NM_130800.3, NM_130801.3 and 3 more transcripts); c.1565G>A, p.Arg522Gln (NM_001370251.2); c.1439G>A, p.Arg480Gln (NM_001370260.2, NM_001370261.2, NM_130799.3); c.1334G>A, p.Arg445Gln (NM_001370262.2, NM_001370263.2); short protein forms R445Q, R480Q, R485Q, R522Q.
Identifiers: ClinVar variation 1015027 (VCV001015027.12), dbSNP rs1450318836, ClinGen allele CA381179321.
Genomic context (GRCh38, chr11:64,804,728, plus strand): 5'-AGTGCTGGCTTCTTGGGCGGCGGGGGCTCCTCTGGCTTGGACTCCCGCCGTGGGCCCCGC[C>T]GCCGGCCTTCCCGGGCTTCCTCGCCCCACGGCTCCTCGGCCTCGGCCGCCTCGGCCTCTC-3'
Protein context (NP_001357188.2, residues 470-490): PWGEEAREGR[Arg480Gln]RGPRRESKPE

ClinVar aggregate classification (germline): Uncertain significance. Review status: criteria provided, multiple submitters, no conflicts (2 of 4 stars). 2 submissions from 2 submitters: Uncertain significance (2). Last evaluated 2025-11-21.

Conditions:
Hereditary cancer-predisposing syndrome. Also called: Tumor predisposition; Hereditary Cancer Syndrome; Neoplastic Syndromes, Hereditary; Hereditary neoplastic syndrome. Identifiers: Orphanet 140162, MedGen C0027672, MeSH D009386, MONDO:0015356.
Multiple endocrine neoplasia, type 1 (MEN1). Also called: MEN I; WERMER SYNDROME; Endocrine adenomatosis multiple; MEN 1; MEA I. Identifiers: Orphanet 652, MedGen C0025267, MeSH D018761, MONDO:0007540, OMIM 131100.

Submissions (2):

Ambry Genetics
Classification: Uncertain significance for Hereditary cancer-predisposing syndrome. Last evaluated: 2025-11-21. Review status: criteria provided, single submitter. Criteria: Ambry Variant Classification Scheme 2023. Collection method: clinical testing. Allele origin: germline.
Comment: The p.R480Q variant (also known as c.1439G>A), located in coding exon 9 of the MEN1 gene, results from a G to A substitution at nucleotide position 1439. The arginine at codon 480 is replaced by glutamine, an amino acid with highly similar properties. This amino acid position is highly conserved in available vertebrate species. In addition, the in silico prediction for this alteration is inconclusive. Based on the available evidence, the clinical significance of this variant remains unclear.

Labcorp Genetics (formerly Invitae), Labcorp
Classification: Uncertain significance for Multiple endocrine neoplasia, type 1. Last evaluated: 2025-07-03. Review status: criteria provided, single submitter. Criteria: Invitae Variant Classification Sherloc (09022015). Collection method: clinical testing. Allele origin: germline.
Comment: This sequence change replaces arginine, which is basic and polar, with glutamine, which is neutral and polar, at codon 480 of the MEN1 protein (p.Arg480Gln). This variant is not present in population databases (gnomAD no frequency). This variant has not been reported in the literature in individuals affected with MEN1-related conditions. ClinVar contains an entry for this variant (Variation ID: 1015027). Invitae Evidence Modeling of protein sequence and biophysical properties (such as structural, functional, and spatial information, amino acid conservation, physicochemical variation, residue mobility, and thermodynamic stability) has been performed for this missense variant. However, the output from this modeling did not meet the statistical confidence thresholds required to predict the impact of this variant on MEN1 protein function. In summary, the available evidence is currently insufficient to determine the role of this variant in disease. Therefore, it has been classified as a Variant of Uncertain Significance.